The following is an entry in ClinVar:

ClinVar aggregate classification (germline): Uncertain significance. Review status: criteria provided, multiple submitters, no conflicts (2 of 4 stars). 2 submissions from 2 submitters: Uncertain significance (2). Last evaluated 2025-10-02.

Conditions:
Lethal multiple pterygium syndrome (LMPS). Identifiers: Orphanet 33108, MedGen C1854678, MONDO:0009668, OMIM 253290.

Allele frequency attached by ClinVar (database versions not stated): TOPMed below 0.00001; gnomAD 0.00001.
gnomAD v4.1: 1 of 1,614,020 alleles (0.000062%); highest among the groups gnomAD compares: Non-Finnish European, 0.000085%; no homozygotes.

Submissions (2):

Labcorp Genetics (formerly Invitae), Labcorp
Classification: Uncertain significance for Lethal multiple pterygium syndrome. Last evaluated: 2025-10-02. Review status: criteria provided, single submitter. Criteria: Invitae Variant Classification Sherloc (09022015). Collection method: clinical testing. Allele origin: germline.
Comment: This sequence change replaces methionine, which is neutral and non-polar, with isoleucine, which is neutral and non-polar, at codon 400 of the CHRND protein (p.Met400Ile). This variant is not present in population databases (gnomAD no frequency). This variant has not been reported in the literature in individuals affected with CHRND-related conditions. ClinVar contains an entry for this variant (Variation ID: 1298858). Invitae Evidence Modeling of protein sequence and biophysical properties (such as structural, functional, and spatial information, amino acid conservation, physicochemical variation, residue mobility, and thermodynamic stability) has been performed for this missense variant. However, the output from this modeling did not meet the statistical confidence thresholds required to predict the impact of this variant on CHRND protein function. In summary, the available evidence is currently insufficient to determine the role of this variant in disease. Therefore, it has been classified as a Variant of Uncertain Significance.

CeGaT Center for Human Genetics Tuebingen
Classification: Uncertain significance. Last evaluated: 2021-08-01. Review status: criteria provided, single submitter. Criteria: CeGaT Center For Human Genetics Tuebingen Variant Classification Criteria Version 2. Collection method: clinical testing. Allele origin: germline. Affected: yes. Observed: 1 variant allele.

NM_000751.3(CHRND):c.1200G>C (p.Met400Ile)

Gene: CHRND (cholinergic receptor nicotinic delta subunit; plus strand). Cytogenetic location: 2q37.1.
Variant type: single nucleotide variant.
Coding change: c.1200G>C on transcript NM_000751.3 (MANE Select); coding-DNA position 1200, G replaced by C.
Protein change: p.Met400Ile; replaces methionine 400 with isoleucine.
Molecular consequence: missense variant.
Genome position (GRCh38, 1-based): chr2:232,534,083, G>C. VCF-style: chr2-232534083-G-C. GRCh37 (hg19) VCF-style: chr2-233398793-G-C.
Other names: c.1155G>C, p.Met385Ile (NM_001256657.2); c.618G>C, p.Met206Ile (NM_001311195.2); c.897G>C, p.Met299Ile (NM_001311196.2); short protein forms M206I, M299I, M385I, M400I.
Identifiers: ClinVar variation 1298858 (VCV001298858.40), dbSNP rs1691804529, ClinGen allele CA351005238.